The following is an entry in ClinVar:

NM_033026.6(PCLO):c.10331G>T (p.Gly3444Val)

Gene: PCLO (piccolo presynaptic cytomatrix protein; minus strand). Cytogenetic location: 7q21.11.
Variant type: single nucleotide variant.
Coding change: c.10331G>T on transcript NM_033026.6 (MANE Select); coding-DNA position 10331, G replaced by T.
Protein change: p.Gly3444Val; replaces glycine 3444 with valine.
Molecular consequence: missense variant.
Genome position (GRCh38, 1-based): chr7:82,950,257, C>A on the plus strand (G>T on the coding strand, the complement: PCLO is on the minus strand). VCF-style: chr7-82950257-C-A. GRCh37 (hg19) VCF-style: chr7-82579573-C-A.
Other names: c.10331G>T, p.Gly3444Val (NM_014510.3); short protein forms G3444V.
Identifiers: ClinVar variation 1346752 (VCV001346752.6), dbSNP rs781540790, ClinGen allele CA4319754.

ClinVar aggregate classification (germline): Uncertain significance (1 of 4 stars; one submission).

Allele frequency attached by ClinVar (database versions not stated): gnomAD exomes below 0.00001 and 0.00001; ExAC 0.00001; gnomAD 0.00001.
gnomAD v4.1: 10 of 1,613,164 alleles (0.00062%); highest among the groups gnomAD compares: African/African-American, 0.011%; no homozygotes.

Submission:

Labcorp Genetics (formerly Invitae), Labcorp
Classification: Uncertain significance. Last evaluated: 2024-12-02. Review status: criteria provided, single submitter. Criteria: Invitae Variant Classification Sherloc (09022015). Collection method: clinical testing. Allele origin: germline.
Comment: This sequence change replaces glycine, which is neutral and non-polar, with valine, which is neutral and non-polar, at codon 3444 of the PCLO protein (p.Gly3444Val). This variant is present in population databases (rs781540790, gnomAD 0.01%). This variant has not been reported in the literature in individuals affected with PCLO-related conditions. ClinVar contains an entry for this variant (Variation ID: 1346752). Experimental studies and prediction algorithms are not available or were not evaluated, and the functional significance of this variant is currently unknown. In summary, the available evidence is currently insufficient to determine the role of this variant in disease. Therefore, it has been classified as a Variant of Uncertain Significance.